The following is an entry in ClinVar:

NM_015352.2(POFUT1):c.937G>A (p.Glu313Lys)

Gene: POFUT1 (protein O-fucosyltransferase 1; plus strand). Cytogenetic location: 20q11.21.
Variant type: single nucleotide variant.
Coding change: c.937G>A on transcript NM_015352.2 (MANE Select); coding-DNA position 937, G replaced by A.
Protein change: p.Glu313Lys; replaces glutamic acid 313 with lysine.
Molecular consequence: missense variant.
Genome position (GRCh38, 1-based): chr20:32,231,020, G>A. VCF-style: chr20-32231020-G-A. GRCh37 (hg19) VCF-style: chr20-30818823-G-A.
Other names: short protein forms E313K.
Identifiers: ClinVar variation 774965 (VCV000774965.15), dbSNP rs35968884, ClinGen allele CA9807434.

ClinVar aggregate classification (germline): Benign. Review status: criteria provided, multiple submitters, no conflicts (2 of 4 stars). 5 submissions from 5 submitters: Benign (2). 3 of the submissions do not count toward it. Last evaluated 2026-01-19.

Conditions:
POFUT1-related disorder. Also called: POFUT1-related condition.
Dowling-Degos disease 2 (DDD2). Identifiers: Orphanet 79145, MedGen C3809147, MONDO:0014130, OMIM 615327.

Allele frequency attached by ClinVar (database versions not stated): 1000 Genomes Project 30x 0.00078; 1000 Genomes Project 0.00100; ESP Exome Variant Server 0.00169; gnomAD 0.00180 and 0.00185; TOPMed 0.00194; gnomAD exomes 0.00196 and 0.00338; ExAC 0.00199.

Submissions (5):

Labcorp Genetics (formerly Invitae), Labcorp
Classification: Benign for Dowling-Degos disease 2. Last evaluated: 2026-01-19. Review status: criteria provided, single submitter. Criteria: Invitae Variant Classification Sherloc (09022015). Collection method: clinical testing. Allele origin: germline.

Breakthrough Genomics
Classification: Benign. Review status: criteria provided, single submitter. Criteria: ACMG Guidelines, 2015. Collection method: not provided. Allele origin: germline. Inheritance: Autosomal dominant inheritance. Affected: yes.

PreventionGenetics, part of Exact Sciences
Classification: Likely benign for POFUT1-related condition. Last evaluated: 2020-06-25. Review status: no assertion criteria provided. Collection method: clinical testing. Allele origin: germline. Not counted in ClinVar's aggregate classification.
Comment: This variant is classified as likely benign based on ACMG/AMP sequence variant interpretation guidelines (Richards et al. 2015 PMID: 25741868, with internal and published modifications).

Clinical Genetics DNA and cytogenetics Diagnostics Lab, Erasmus MC, Erasmus Medical Center
Classification: Likely benign. Review status: no assertion criteria provided. Collection method: clinical testing. Allele origin: germline. Affected: yes. Study: VKGL Data-share Consensus. Not counted in ClinVar's aggregate classification.

Diagnostic Laboratory, Department of Genetics, University Medical Center Groningen
Classification: Likely benign. Review status: no assertion criteria provided. Collection method: clinical testing. Allele origin: germline. Affected: yes. Study: VKGL Data-share Consensus. Not counted in ClinVar's aggregate classification.